The following is an entry in ClinVar:

NM_000414.4(HSD17B4):c.1210-8T>C

Gene: HSD17B4 (hydroxysteroid 17-beta dehydrogenase 4; plus strand). Cytogenetic location: 5q23.1.
Variant type: single nucleotide variant.
Coding change: c.1210-8T>C on transcript NM_000414.4 (MANE Select); 8 bases into the intron before coding-DNA position 1210, T replaced by C.
Molecular consequence: intron variant.
Genome position (GRCh38, 1-based): chr5:119,502,033, T>C. VCF-style: chr5-119502033-T-C. GRCh37 (hg19) VCF-style: chr5-118837728-T-C.
Other names: c.799-8T>C (NM_001374503.1, NM_001374502.1, NM_001374501.1); c.1285-8T>C (NM_001199291.3); c.883-8T>C (NM_001374499.1); c.769-8T>C (NM_001374500.1); c.790-8T>C (NM_001292028.2); c.1138-8T>C (NM_001292027.2); c.1210-8T>C (NM_001374498.1); c.1201-8T>C (NM_001374497.1); and 1 more.
Identifiers: ClinVar variation 227432 (VCV000227432.34), dbSNP rs34254740, ClinGen allele CA3382132.
Genomic context (GRCh38, chr5:119,502,033, plus strand): 5'-CAGTATCCATAGGCAGAACCTGTGGAGCAAGAAAGTTTGCTAATAAAATTTTGTTTACCC[T>C]AACATAGGTTCTTCATGGAGAGCAGTACTTAGAGTTATATAAACCACTTCCCAGAGCAGG-3'

ClinVar aggregate classification (germline): Conflicting classifications of pathogenicity. Review status: criteria provided, conflicting classifications (1 of 4 stars). 9 submissions from 8 submitters: Uncertain significance (3); Likely benign (6). Last evaluated 2026-01-28.

Conditions:
Perrault syndrome. Also called: Gonadal dysgenesis with auditory dysfunction, autosomal recessive inheritance. Identifiers: Orphanet 2855, MedGen C0685838, MONDO:0017312.
Bifunctional peroxisomal enzyme deficiency (DBIF). Also called: PBFE DEFICIENCY; D-bifunctional protein deficiency; DBP DEFICIENCY. Identifiers: Orphanet 300, MedGen C0342870, MONDO:0009855, OMIM 261515. Disease mechanism: loss of function.
Perrault syndrome 1 (PRLTS1). Also called: OVARIAN DYSGENESIS WITH SENSORINEURAL DEAFNESS; GONADAL DYSGENESIS, XX TYPE, WITH DEAFNESS. Identifiers: Orphanet 2855, Orphanet 642945, MedGen C4551721, MONDO:0009300, OMIM 233400.

Allele frequency attached by ClinVar (database versions not stated): 1000 Genomes Project 30x 0.00016; TOPMed 0.00102; gnomAD exomes 0.00114 and 0.00157; gnomAD 0.00121 and 0.00123; ExAC 0.00139; ESP Exome Variant Server 0.00161.
gnomAD v4.1: 2,422 of 1,596,748 alleles (0.15%); highest among the groups gnomAD compares: Non-Finnish European, 0.19%; 6 homozygotes.

Submissions (9):

Labcorp Genetics (formerly Invitae), Labcorp
Classification: Likely benign for Perrault syndrome; Bifunctional peroxisomal enzyme deficiency. Last evaluated: 2026-01-28. Review status: criteria provided, single submitter. Criteria: Invitae Variant Classification Sherloc (09022015). Collection method: clinical testing. Allele origin: germline.

CeGaT Center for Human Genetics Tuebingen
Classification: Likely benign. Last evaluated: 2025-09-01. Review status: criteria provided, single submitter. Criteria: CeGaT Center For Human Genetics Tuebingen Variant Classification Criteria Version 2. Collection method: clinical testing. Allele origin: germline. Affected: yes. Observed: 1 variant allele.
Comment: HSD17B4: BP4

Blueprint Genetics
Classification: Likely benign. Last evaluated: 2024-11-01. Review status: criteria provided, single submitter. Criteria: ACMG Guidelines, 2015. Collection method: clinical testing. Allele origin: germline.

GeneDx
Classification: Likely benign. Last evaluated: 2021-01-19. Review status: criteria provided, single submitter. Criteria: GeneDx Variant Classification Process June 2021. Collection method: clinical testing. Allele origin: germline. Affected: yes.

Eurofins Ntd Llc (ga)
Classification: Uncertain significance. Last evaluated: 2018-04-26. Review status: criteria provided, single submitter. Criteria: EGL ClinVar v180209 classification definitions. Collection method: clinical testing. Allele origin: germline. Observed: 6 variant alleles, 6 heterozygotes.

Illumina Laboratory Services, Illumina
Classification: Uncertain significance for Bifunctional peroxisomal enzyme deficiency. Last evaluated: 2018-01-12. Review status: criteria provided, single submitter. Criteria: ICSL Variant Classification Criteria 13 December 2019. Collection method: clinical testing. Allele origin: germline.

Illumina Laboratory Services, Illumina
Classification: Uncertain significance for Perrault syndrome 1. Last evaluated: 2018-01-12. Review status: criteria provided, single submitter. Criteria: ICSL Variant Classification Criteria 13 December 2019. Collection method: clinical testing. Allele origin: germline.

Laboratory for Molecular Medicine, Mass General Brigham Personalized Medicine
Classification: Likely benign. Last evaluated: 2015-08-04. Review status: criteria provided, single submitter. Criteria: LMM Criteria. Collection method: clinical testing. Allele origin: germline. Observed: 2 variant alleles.
Comment: c.1285-8T>C in intron 14 of HSD17B4: This variant is not expected to have clinic al significance because a T>C change at this position does not diverge from the splice consensus sequence and is therefore unlikely to impact splicing. In addit ion, it has been identified in 0.2% (152/66662) of European chromosomes by the E xome Aggregation Consortium (ExAC; dbSNP rs34254 740).

PreventionGenetics, part of Exact Sciences
Classification: Likely benign. Review status: criteria provided, single submitter. Criteria: ACMG Guidelines, 2015. Collection method: clinical testing. Allele origin: germline.